The following is an entry in ClinVar:

NM_030631.4(SLC25A21):c.254del (p.Pro85fs)

Gene: SLC25A21 (solute carrier family 25 member 21; minus strand). Cytogenetic location: 14q13.3.
Variant type: Deletion.
Coding change: c.254del on transcript NM_030631.4 (MANE Select); coding-DNA position 254, one base deleted (C; older notation c.254delC).
Protein change: p.Pro85fs; shifts the reading frame from proline 85.
Molecular consequence: frameshift variant.
Genome position (GRCh38, 1-based): chr14:36,734,523, G deleted on the plus strand (C on the coding strand, the reverse complement: SLC25A21 is on the minus strand); the first of 4 consecutive G bases (chr14:36,734,523-36,734,526); deleting any one gives the same sequence. VCF-style (leftmost placement, unchanged base first): chr14-36734522-TG-T. GRCh37 (hg19) VCF-style: chr14-37203727-TG-T.
Other names: c.254del, p.Pro85fs (NM_001171170.2); short protein forms P85fs.
Identifiers: ClinVar variation 1012832 (VCV001012832.43), dbSNP rs748899887, ClinGen allele CA7159379.

ClinVar aggregate classification (germline): Uncertain significance. Review status: criteria provided, multiple submitters, no conflicts (2 of 4 stars). 2 submissions from 2 submitters: Uncertain significance (2). Last evaluated 2025-10-23.

Submissions (2):

Labcorp Genetics (formerly Invitae), Labcorp
Classification: Uncertain significance. Last evaluated: 2025-10-23. Review status: criteria provided, single submitter. Criteria: Invitae Variant Classification Sherloc (09022015). Collection method: clinical testing. Allele origin: germline.
Comment: This sequence change creates a premature translational stop signal (p.Pro85Glnfs*5) in the SLC25A21 gene. It is expected to result in an absent or disrupted protein product. However, the current clinical and genetic evidence is not sufficient to establish whether loss-of-function variants in SLC25A21 cause disease. The frequency data for this variant in the population databases is considered unreliable, as metrics indicate poor data quality at this position in the gnomAD database. This variant has not been reported in the literature in individuals affected with SLC25A21-related conditions. ClinVar contains an entry for this variant (Variation ID: 1012832). In summary, the available evidence is currently insufficient to determine the role of this variant in disease. Therefore, it has been classified as a Variant of Uncertain Significance.

CeGaT Center for Human Genetics Tuebingen
Classification: Uncertain significance. Last evaluated: 2020-11-01. Review status: criteria provided, single submitter. Criteria: CeGaT Center For Human Genetics Tuebingen Variant Classification Criteria Version 2. Collection method: clinical testing. Allele origin: germline. Affected: yes. Observed: 1 variant allele.